The following is an entry in ClinVar:

ClinVar aggregate classification (germline): Benign (1 of 4 stars; one submission).

Allele frequency attached by ClinVar (database versions not stated): 1000 Genomes Project 30x 0.00187; 1000 Genomes Project 0.00220; ESP Exome Variant Server 0.00677; gnomAD 0.00691; ExAC 0.00900; gnomAD exomes 0.00914.

Submission:

CeGaT Center for Human Genetics Tuebingen
Classification: Benign. Last evaluated: 2024-04-01. Review status: criteria provided, single submitter. Criteria: CeGaT Center For Human Genetics Tuebingen Variant Classification Criteria Version 2. Collection method: clinical testing. Allele origin: germline. Affected: yes. Observed: 1 variant allele.
Comment: MUC5B: BP4, BS1, BS2

NM_002458.3(MUC5B):c.8507C>T (p.Thr2836Ile)

Genes: MUC5B (mucin 5B, oligomeric mucus/gel-forming; plus strand), MUC5B-AS1 (MUC5B antisense RNA 1; minus strand). Cytogenetic location: 11p15.5.
Variant type: single nucleotide variant.
Coding change: c.8507C>T on transcript NM_002458.3 (MANE Select); coding-DNA position 8507, C replaced by T.
Protein change: p.Thr2836Ile; replaces threonine 2836 with isoleucine.
Molecular consequence: missense variant.
Genome position (GRCh38, 1-based): chr11:1,245,387, C>T. VCF-style: chr11-1245387-C-T. GRCh37 (hg19) VCF-style: chr11-1266617-C-T.
Other names: short protein forms T2836I.
Identifiers: ClinVar variation 3234200 (VCV003234200.20), dbSNP rs12282798, ClinGen allele CA5806663.